The following is an entry in ClinVar:

NM_001242896.3(DEPDC5):c.1866T>C (p.Pro622=)

Gene: DEPDC5 (DEP domain containing 5, GATOR1 subcomplex subunit; plus strand). Cytogenetic location: 22q12.3.
Variant type: single nucleotide variant.
Coding change: c.1866T>C on transcript NM_001242896.3 (MANE Select); coding-DNA position 1866, T replaced by C.
Protein change: p.Pro622=; no amino-acid change (proline 622 retained).
Molecular consequence: synonymous variant. On other transcripts: non-coding transcript variant (5).
Genome position (GRCh38, 1-based): chr22:31,819,221, T>C. VCF-style: chr22-31819221-T-C. GRCh37 (hg19) VCF-style: chr22-32215207-T-C.
Other names: c.1866T>C, p.Pro622= (NM_001136029.4, NM_001242897.2, NM_001363852.2 and 6 more transcripts); c.1782T>C, p.Pro594= (NM_001369901.1, NM_001369902.1).
Identifiers: ClinVar variation 3030287 (VCV003030287.2), dbSNP rs2089447272, ClinGen allele CA514265333.

ClinVar aggregate classification (germline): Likely benign (0 of 4 stars; one submission).

Conditions:
DEPDC5-related disorder. Also called: DEPDC5-related related disorder; DEPDC5-related condition.

gnomAD v4.1: 1 of 1,614,136 alleles (0.000062%); highest among the groups gnomAD compares: Non-Finnish European, 0.000085%; no homozygotes.

Submission:

PreventionGenetics, part of Exact Sciences
Classification: Likely benign for DEPDC5-related condition. Last evaluated: 2021-02-02. Review status: no assertion criteria provided. Collection method: clinical testing. Allele origin: germline.
Comment: This variant is classified as likely benign based on ACMG/AMP sequence variant interpretation guidelines (Richards et al. 2015 PMID: 25741868, with internal and published modifications).